The following is an entry in ClinVar:

ClinVar aggregate classification (germline): Uncertain significance. Review status: criteria provided, multiple submitters, no conflicts (2 of 4 stars). 3 submissions from 3 submitters: Uncertain significance (3). Last evaluated 2022-08-16.

Conditions:
MEGF10-related myopathy (CMYO10A). Also called: Congenital myopathy 10A, severe variant. Identifiers: Orphanet 439212, MedGen C3280679, MONDO:0013731, OMIM 614399.

Allele frequency attached by ClinVar (database versions not stated): gnomAD 0.00001 and 0.00002; gnomAD exomes 0.00002 and 0.00010; TOPMed 0.00005; ExAC 0.00011; 1000 Genomes Project 0.00020; 1000 Genomes Project 30x 0.00031.
gnomAD v4.1: 30 of 1,614,248 alleles (0.0019%); highest among the groups gnomAD compares: Admixed American, 0.04%; no homozygotes.

Submissions (3):

Labcorp Genetics (formerly Invitae), Labcorp
Classification: Uncertain significance for MEGF10-related myopathy. Last evaluated: 2022-08-16. Review status: criteria provided, single submitter. Criteria: Invitae Variant Classification Sherloc (09022015). Collection method: clinical testing. Allele origin: germline.
Comment: This sequence change replaces proline, which is neutral and non-polar, with leucine, which is neutral and non-polar, at codon 312 of the MEGF10 protein (p.Pro312Leu). This variant is present in population databases (rs199702225, gnomAD 0.07%). This variant has not been reported in the literature in individuals affected with MEGF10-related conditions. ClinVar contains an entry for this variant (Variation ID: 1042831). Algorithms developed to predict the effect of missense changes on protein structure and function are either unavailable or do not agree on the potential impact of this missense change (SIFT: "Deleterious"; PolyPhen-2: "Possibly Damaging"; Align-GVGD: "Class C0"). In summary, the available evidence is currently insufficient to determine the role of this variant in disease. Therefore, it has been classified as a Variant of Uncertain Significance.

Fulgent Genetics
Classification: Uncertain significance for MEGF10-related myopathy. Last evaluated: 2022-04-07. Review status: criteria provided, single submitter. Criteria: ACMG Guidelines, 2015. Collection method: clinical testing. Allele origin: unknown.

GeneDx
Classification: Uncertain significance. Last evaluated: 2020-04-28. Review status: criteria provided, single submitter. Criteria: GeneDx Variant Classification Process June 2021. Collection method: clinical testing. Allele origin: germline. Affected: yes.
Comment: In silico analysis supports that this missense variant has a deleterious effect on protein structure/function; Has not been previously published as pathogenic or benign to our knowledge

NM_001256545.2(MEGF10):c.935C>T (p.Pro312Leu)

Gene: MEGF10 (multiple EGF like domains 10; plus strand). Cytogenetic location: 5q23.2.
Variant type: single nucleotide variant.
Coding change: c.935C>T on transcript NM_001256545.2 (MANE Select); coding-DNA position 935, C replaced by T.
Protein change: p.Pro312Leu; replaces proline 312 with leucine.
Molecular consequence: missense variant.
Genome position (GRCh38, 1-based): chr5:127,410,406, C>T. VCF-style: chr5-127410406-C-T. GRCh37 (hg19) VCF-style: chr5-126746098-C-T.
Other names: c.935C>T, p.Pro312Leu (NM_001308119.2, NM_001308121.2, NM_032446.3); short protein forms P312L.
Identifiers: ClinVar variation 1042831 (VCV001042831.8), dbSNP rs199702225, ClinGen allele CA3391446.